The following is an entry in ClinVar:

ClinVar aggregate classification (germline): Uncertain significance. Review status: criteria provided, multiple submitters, no conflicts (2 of 4 stars). 2 submissions from 2 submitters: Uncertain significance (2). Last evaluated 2024-12-09.

Conditions:
Pancreatic adenocarcinoma. Identifiers: MedGen C0281361, MONDO:0006047, HP:0006725.

Allele frequency attached by ClinVar (database versions not stated): gnomAD exomes 0.00001; ExAC 0.00002; gnomAD 0.00003 and 0.00004; TOPMed 0.00007; ESP Exome Variant Server 0.00008.
gnomAD v4.1: 14 of 1,614,078 alleles (0.00087%); highest among the groups gnomAD compares: African/African-American, 0.017%; no homozygotes.

Submissions (2):

Labcorp Genetics (formerly Invitae), Labcorp
Classification: Uncertain significance for Pancreatic adenocarcinoma. Last evaluated: 2024-12-09. Review status: criteria provided, single submitter. Criteria: Invitae Variant Classification Sherloc (09022015). Collection method: clinical testing. Allele origin: germline.
Comment: This sequence change replaces lysine, which is basic and polar, with arginine, which is basic and polar, at codon 204 of the PALLD protein (p.Lys204Arg). The frequency data for this variant in the population databases is considered unreliable, as metrics indicate poor data quality at this position in the gnomAD database. This variant has not been reported in the literature in individuals affected with PALLD-related conditions. ClinVar contains an entry for this variant (Variation ID: 1046837). An algorithm developed to predict the effect of missense changes on protein structure and function (PolyPhen-2) suggests that this variant is likely to be tolerated. In summary, the available evidence is currently insufficient to determine the role of this variant in disease. Therefore, it has been classified as a Variant of Uncertain Significance.

Ambry Genetics
Classification: Uncertain significance. Last evaluated: 2022-11-15. Review status: criteria provided, single submitter. Criteria: Ambry Variant Classification Scheme 2023. Collection method: clinical testing. Allele origin: germline.
Comment: The p.K691R variant (also known as c.2072A>G), located in coding exon 10 of the PALLD gene, results from an A to G substitution at nucleotide position 2072. The lysine at codon 691 is replaced by arginine, an amino acid with highly similar properties. This amino acid position is conserved. In addition, the in silico prediction for this alteration is inconclusive. Since supporting evidence is limited at this time, the clinical significance of this alteration remains unclear.

NM_001166108.2(PALLD):c.2072A>G (p.Lys691Arg)

Gene: PALLD (palladin, cytoskeletal associated protein; plus strand). Cytogenetic location: 4q32.3.
Variant type: single nucleotide variant.
Coding change: c.2072A>G on transcript NM_001166108.2 (MANE Select); coding-DNA position 2072, A replaced by G.
Protein change: p.Lys691Arg; replaces lysine 691 with arginine.
Molecular consequence: missense variant. On other transcripts: 5 prime UTR variant (4).
Genome position (GRCh38, 1-based): chr4:168,891,029, A>G. VCF-style: chr4-168891029-A-G. GRCh37 (hg19) VCF-style: chr4-169812180-A-G.
Other names: c.-50A>G (NM_001367570.1, NM_001367567.1, NM_001367568.1 and 1 more transcripts); c.2072A>G, p.Lys691Arg (NM_016081.4); c.2072A>G (NM_016081.3); c.926A>G, p.Lys309Arg (NM_001166109.2); c.611A>G, p.Lys204Arg (NM_001166110.2); short protein forms K691R, K204R, K309R.
Identifiers: ClinVar variation 1046837 (VCV001046837.10), dbSNP rs144380526, ClinGen allele CA3135810.